The following is an entry in ClinVar:

ClinVar aggregate classification (germline): Likely pathogenic. Review status: criteria provided, multiple submitters, no conflicts (2 of 4 stars). 3 submissions from 3 submitters: Likely pathogenic (3). Last evaluated 2025-12-30.

Conditions:
GNE myopathy (NM). Also called: MYOPATHY, DISTAL, WITH OR WITHOUT RIMMED VACUOLES; NONAKA DISTAL MYOPATHY; INCLUSION BODY MYOPATHY, HEREDITARY, AUTOSOMAL RECESSIVE; INCLUSION BODY MYOPATHY 2, AUTOSOMAL RECESSIVE; IBM 2; Inclusion body myopathy autosomal recessive. Identifiers: Orphanet 602, MedGen C1853926, MONDO:0011603, OMIM 605820.
Sialuria. Also called: Sialic Acid Storage Disease; SIALURIA, FRENCH TYPE. Identifiers: Orphanet 3166, MedGen C0342853, MONDO:0010028, OMIM 269921.

Allele frequency attached by ClinVar (database versions not stated): gnomAD exomes below 0.00001.
gnomAD v4.1: 2 of 1,609,740 alleles (0.00012%); highest among the groups gnomAD compares: African/African-American, 0.0027%; no homozygotes.

Submissions (3):

Natera, Inc.
Classification: Likely pathogenic for Nonaka myopathy. Last evaluated: 2025-12-30. Review status: criteria provided, single submitter. Criteria: Natera Variant Classification Schema (03/2026). Collection method: clinical testing. Allele origin: germline.
Comment: The c.1075+2T>A variant in GNE is a canonical splice donor site variant predicted to affect pre-mRNA splicing, which may result in an abnormal transcript and altered protein product. This variant is expected to result in nonsense mediated decay, truncation, or a dysfunctional protein product. This variant is rare in the general population with a frequency below the threshold expected for the associated phenotype(s). Given the available evidence, this variant is classified as Likely Pathogenic.

Baylor Genetics
Classification: Likely pathogenic for GNE myopathy. Last evaluated: 2023-12-15. Review status: criteria provided, single submitter. Criteria: ACMG Guidelines, 2015. Collection method: clinical testing. Allele origin: unknown.

Labcorp Genetics (formerly Invitae), Labcorp
Classification: Likely pathogenic for Sialuria; GNE myopathy. Last evaluated: 2022-02-02. Review status: criteria provided, single submitter. Criteria: Invitae Variant Classification Sherloc (09022015). Collection method: clinical testing. Allele origin: germline.
Comment: Algorithms developed to predict the effect of sequence changes on RNA splicing suggest that this variant may disrupt the consensus splice site. This variant has not been reported in the literature in individuals affected with GNE-related conditions. This variant is not present in population databases (gnomAD no frequency). This sequence change affects a donor splice site in intron 5 of the GNE gene. It is expected to disrupt RNA splicing. Variants that disrupt the donor or acceptor splice site typically lead to a loss of protein function (PMID: 16199547), and loss-of-function variants in GNE are known to be pathogenic (PMID: 24027297). In summary, the currently available evidence indicates that the variant is pathogenic, but additional data are needed to prove that conclusively. Therefore, this variant has been classified as Likely Pathogenic.

Literature cited by the submitters: PubMed 16199547 (cited by Labcorp Genetics (formerly Invitae), Labcorp); PubMed 24027297 (cited by Labcorp Genetics (formerly Invitae), Labcorp).

NM_005476.7(GNE):c.982+2T>A

Gene: GNE (glucosamine (UDP-N-acetyl)-2-epimerase/N-acetylmannosamine kinase; minus strand). Cytogenetic location: 9p13.3.
Variant type: single nucleotide variant.
Coding change: c.982+2T>A on transcript NM_005476.7 (MANE Select); the canonical splice donor site of the intron after coding-DNA position 982, T replaced by A.
Molecular consequence: splice donor variant.
Genome position (GRCh38, 1-based): chr9:36,233,918, A>T on the plus strand (T>A on the coding strand, the complement: GNE is on the minus strand). VCF-style: chr9-36233918-A-T. GRCh37 (hg19) VCF-style: chr9-36233915-A-T.
Other names: c.805+2T>A (NM_001190388.2, NM_001374798.1); c.1075+2T>A (NM_001128227.3, NM_001128227.2); c.652+2T>A (NM_001190384.3); c.829+2T>A (NM_001374797.1); c.982+2T>A (NM_001190383.3).
Identifiers: ClinVar variation 1511541 (VCV001511541.10), dbSNP rs2133067872, ClinGen allele CA373430438.